The following is an entry in ClinVar:

NM_002334.4(LRP4):c.1769G>A (p.Arg590His)

Gene: LRP4 (LDL receptor related protein 4; minus strand). Cytogenetic location: 11p11.2.
Variant type: single nucleotide variant.
Coding change: c.1769G>A on transcript NM_002334.4 (MANE Select); coding-DNA position 1769, G replaced by A.
Protein change: p.Arg590His; replaces arginine 590 with histidine.
Molecular consequence: missense variant.
Genome position (GRCh38, 1-based): chr11:46,890,423, C>T on the plus strand (G>A on the coding strand, the complement: LRP4 is on the minus strand). VCF-style: chr11-46890423-C-T. GRCh37 (hg19) VCF-style: chr11-46911974-C-T.
Other names: short protein forms R590H.
Identifiers: ClinVar variation 304882 (VCV000304882.16), dbSNP rs149435615, ClinGen allele CA5970060.

ClinVar aggregate classification (germline): Uncertain significance. Review status: criteria provided, multiple submitters, no conflicts (2 of 4 stars). 5 submissions from 5 submitters: Uncertain significance (5). Last evaluated 2024-05-20.

Conditions:
Cenani-Lenz syndactyly syndrome. Also called: SYNDACTYLY, TYPE VII; CENANI SYNDACTYLISM. Identifiers: Orphanet 3258, MedGen C1859309, MONDO:0008931, OMIM 212780.
Sclerosteosis 2 (SOST2). Identifiers: Orphanet 3152, MedGen C3280402, MONDO:0013679, OMIM 614305.
Congenital myasthenic syndrome 17. Identifiers: Orphanet 590, MedGen C4225377, MONDO:0014578, OMIM 616304.
Intellectual disability. Also called: intellectual disabilities; Intellectual functioning disability; Intellectual developmental disorder. Identifiers: MedGen C3714756, MeSH D008607, MONDO:0001071, HP:0001249.

Allele frequency attached by ClinVar (database versions not stated): ESP Exome Variant Server 0.00038; ExAC 0.00012; gnomAD 0.00021 and 0.00022; gnomAD exomes 0.00010; TOPMed 0.00018.
gnomAD v4.1: 337 of 1,613,942 alleles (0.021%); highest among the groups gnomAD compares: Non-Finnish European, 0.025%; no homozygotes.

Submissions (5):

Fulgent Genetics
Classification: Uncertain significance for Cenani-Lenz syndactyly syndrome; Sclerosteosis 2; Congenital myasthenic syndrome 17. Last evaluated: 2024-05-20. Review status: criteria provided, single submitter. Criteria: ACMG Guidelines, 2015. Collection method: clinical testing. Allele origin: germline.

Labcorp Genetics (formerly Invitae), Labcorp
Classification: Uncertain significance for Cenani-Lenz syndactyly syndrome; Sclerosteosis 2; Congenital myasthenic syndrome 17. Last evaluated: 2022-03-14. Review status: criteria provided, single submitter. Criteria: Invitae Variant Classification Sherloc (09022015). Collection method: clinical testing. Allele origin: germline.
Comment: This sequence change replaces arginine, which is basic and polar, with histidine, which is basic and polar, at codon 590 of the LRP4 protein (p.Arg590His). This variant is present in population databases (rs149435615, gnomAD 0.02%). This variant has not been reported in the literature in individuals affected with LRP4-related conditions. ClinVar contains an entry for this variant (Variation ID: 304882). Algorithms developed to predict the effect of missense changes on protein structure and function (SIFT, PolyPhen-2, Align-GVGD) all suggest that this variant is likely to be disruptive. In summary, the available evidence is currently insufficient to determine the role of this variant in disease. Therefore, it has been classified as a Variant of Uncertain Significance.

GeneDx
Classification: Uncertain significance. Last evaluated: 2020-06-29. Review status: criteria provided, single submitter. Criteria: GeneDx Variant Classification Process June 2021. Collection method: clinical testing. Allele origin: germline. Affected: yes.
Comment: In silico analysis supports that this missense variant does not alter protein structure/function; Has not been previously published as pathogenic or benign to our knowledge

Cambridge Genomics Laboratory, East Genomic Laboratory Hub, NHS Genomic Medicine Service
Classification: Uncertain significance for Intellectual disability. Last evaluated: 2019-11-26. Review status: criteria provided, single submitter. Criteria: ACGS Best Practice Guidelines for Variant Classification in Rare Disease 2020. Collection method: clinical testing. Allele origin: germline. Affected: yes. Observed: 1 variant allele.

Illumina Laboratory Services, Illumina
Classification: Uncertain significance for Cenani-Lenz syndactyly syndrome. Last evaluated: 2018-01-12. Review status: criteria provided, single submitter. Criteria: ICSL Variant Classification Criteria 13 December 2019. Collection method: clinical testing. Allele origin: germline.